The following is an entry in ClinVar:

NM_012472.6(DNAAF11):c.845dup (p.Lys283fs)

Gene: DNAAF11 (dynein axonemal assembly factor 11; minus strand). Cytogenetic location: 8q24.22.
Variant type: Duplication.
Coding change: c.845dup on transcript NM_012472.6 (MANE Select); coding-DNA position 845, one base duplicated (A; older notation c.845dupA).
Protein change: p.Lys283fs; shifts the reading frame from lysine 283.
Molecular consequence: frameshift variant. On other transcripts: non-coding transcript variant (10).
Genome position (GRCh38, 1-based): chr8:132,622,680, T duplicated on the plus strand (A on the coding strand, the reverse complement: DNAAF11 is on the minus strand); the first of 7 consecutive T bases (chr8:132,622,680-132,622,686); duplicating any one gives the same sequence. VCF-style (leftmost placement, unchanged base first): chr8-132622679-C-CT. GRCh37 (hg19) VCF-style: chr8-133634925-C-CT.
Other names: c.845dup, p.Lys283fs (NM_001321961.2); c.599dup, p.Lys201fs (NM_001321962.2); c.485dup, p.Lys163fs (NM_001321963.2, NM_001321964.2, NM_001321965.2 and 1 more transcripts); short protein forms K163fs, K201fs, K283fs.
Identifiers: ClinVar variation 2842606 (VCV002842606.3), dbSNP rs1391729028, ClinGen allele CA585255927.

ClinVar aggregate classification (germline): Pathogenic (1 of 4 stars; one submission).

Conditions:
Primary ciliary dyskinesia 19. Also called: CILIARY DYSKINESIA, PRIMARY, 19, WITH OR WITHOUT SITUS INVERSUS. Identifiers: Orphanet 244, MedGen C3543826, MONDO:0013979, OMIM 614935.

Submission:

Labcorp Genetics (formerly Invitae), Labcorp
Classification: Pathogenic for Primary ciliary dyskinesia 19. Last evaluated: 2023-03-03. Review status: criteria provided, single submitter. Criteria: Invitae Variant Classification Sherloc (09022015). Collection method: clinical testing. Allele origin: germline.
Comment: For these reasons, this variant has been classified as Pathogenic. This variant has not been reported in the literature in individuals affected with LRRC6-related conditions. This variant is not present in population databases (gnomAD no frequency). This sequence change creates a premature translational stop signal (p.Lys283Glufs*12) in the LRRC6 gene. It is expected to result in an absent or disrupted protein product. Loss-of-function variants in LRRC6 are known to be pathogenic (PMID: 23122589).

Literature cited by the submitters: PubMed 23122589.